The following is an entry in ClinVar:

NM_006269.2(RP1):c.2209G>C (p.Val737Leu)

Gene: RP1 (RP1 axonemal microtubule associated; plus strand). Cytogenetic location: 8q12.1.
Variant type: single nucleotide variant.
Coding change: c.2209G>C on transcript NM_006269.2 (MANE Select); coding-DNA position 2209, G replaced by C.
Protein change: p.Val737Leu; replaces valine 737 with leucine.
Molecular consequence: missense variant. On other transcripts: intron variant (1).
Genome position (GRCh38, 1-based): chr8:54,626,091, G>C. VCF-style: chr8-54626091-G-C. GRCh37 (hg19) VCF-style: chr8-55538651-G-C.
Other names: c.787+3803G>C (NM_001375654.1); short protein forms V737L.
Identifiers: ClinVar variation 2543047 (VCV002543047.3), dbSNP rs1392636116, ClinGen allele CA370992996.

ClinVar aggregate classification (germline): Uncertain significance. Review status: criteria provided, multiple submitters, no conflicts (2 of 4 stars). 2 submissions from 2 submitters: Uncertain significance (2). Last evaluated 2025-04-19.

Conditions:
Inborn genetic diseases. Identifiers: MedGen C0950123, MeSH D030342.

Allele frequency attached by ClinVar (database versions not stated): gnomAD exomes below 0.00001; gnomAD 0.00001.

Submissions (2):

Labcorp Genetics (formerly Invitae), Labcorp
Classification: Uncertain significance. Last evaluated: 2025-04-19. Review status: criteria provided, single submitter. Criteria: Invitae Variant Classification Sherloc (09022015). Collection method: clinical testing. Allele origin: germline.
Comment: This sequence change replaces valine, which is neutral and non-polar, with leucine, which is neutral and non-polar, at codon 737 of the RP1 protein (p.Val737Leu). This variant is present in population databases (no rsID available, gnomAD 0.006%). This variant has not been reported in the literature in individuals affected with RP1-related conditions. ClinVar contains an entry for this variant (Variation ID: 2543047). An algorithm developed to predict the effect of missense changes on protein structure and function (PolyPhen-2) suggests that this variant is likely to be tolerated. In summary, the available evidence is currently insufficient to determine the role of this variant in disease. Therefore, it has been classified as a Variant of Uncertain Significance.

Ambry Genetics
Classification: Uncertain significance for Inborn genetic diseases. Last evaluated: 2023-05-03. Review status: criteria provided, single submitter. Criteria: Ambry Variant Classification Scheme 2023. Collection method: clinical testing. Allele origin: germline.